The following is an entry in ClinVar:

ClinVar aggregate classification (germline): Uncertain significance (1 of 4 stars; one submission).

Conditions:
Loeys-Dietz syndrome 4 (LDS4). Also called: TGFB2-Related Loeys-Dietz Syndrome; ANEURYSM, AORTIC AND CEREBRAL, WITH ARTERIAL TORTUOSITY AND SKELETAL MANIFESTATIONS. Identifiers: MedGen C3553762, MONDO:0013897, OMIM 614816.

Submission:

Labcorp Genetics (formerly Invitae), Labcorp
Classification: Uncertain significance for Loeys-Dietz syndrome 4. Last evaluated: 2022-02-06. Review status: criteria provided, single submitter. Criteria: Invitae Variant Classification Sherloc (09022015). Collection method: clinical testing. Allele origin: germline.
Comment: This sequence change creates a premature translational stop signal (p.Gln402*) in the TGFB2 gene. While this is not anticipated to result in nonsense mediated decay, it is expected to disrupt the last 13 amino acid(s) of the TGFB2 protein. This variant is not present in population databases (gnomAD no frequency). This variant has not been reported in the literature in individuals affected with TGFB2-related conditions. Experimental studies and prediction algorithms are not available or were not evaluated, and the functional significance of this variant is currently unknown. In summary, the available evidence is currently insufficient to determine the role of this variant in disease. Therefore, it has been classified as a Variant of Uncertain Significance.

NM_003238.6(TGFB2):c.1204C>T (p.Gln402Ter)

Gene: TGFB2 (transforming growth factor beta 2; plus strand). Cytogenetic location: 1q41.
Variant type: single nucleotide variant.
Coding change: c.1204C>T on transcript NM_003238.6 (MANE Select); coding-DNA position 1204, C replaced by T.
Protein change: p.Gln402Ter; replaces glutamine 402 with a stop codon.
Molecular consequence: nonsense. On other transcripts: non-coding transcript variant (2).
Genome position (GRCh38, 1-based): chr1:218,441,321, C>T. VCF-style: chr1-218441321-C-T. GRCh37 (hg19) VCF-style: chr1-218614663-C-T.
Other names: c.1288C>T, p.Gln430Ter (NM_001135599.4); short protein forms Q402*, Q430*.
Identifiers: ClinVar variation 2093758 (VCV002093758.4), dbSNP rs2464890320, ClinGen allele CA344728013.